The following is an entry in ClinVar:

ClinVar aggregate classification (germline): Benign/Likely benign. Review status: criteria provided, multiple submitters, no conflicts (2 of 4 stars). 4 submissions from 4 submitters: Benign (1); Likely benign (3). Last evaluated 2024-12-30.

Conditions:
Hereditary nonpolyposis colorectal neoplasms. Identifiers: MedGen C0009405, MeSH D003123.
Hereditary cancer-predisposing syndrome. Also called: Neoplastic Syndromes, Hereditary; Tumor predisposition; Hereditary neoplastic syndrome; Hereditary Cancer Syndrome. Identifiers: Orphanet 140162, MedGen C0027672, MeSH D009386, MONDO:0015356.
Lynch syndrome 5 (LYNCH5). Also called: Colorectal cancer, hereditary nonpolyposis, type 5; Hereditary non-polyposis colorectal cancer, type 5. Identifiers: Orphanet 144, MedGen C1833477, MONDO:0013710, OMIM 614350. Disease mechanism: loss of function.

Allele frequency attached by ClinVar (database versions not stated): gnomAD exomes below 0.00001 and 0.00001.
gnomAD v4.1: 4 of 1,614,114 alleles (0.00025%); highest among the groups gnomAD compares: South Asian, 0.0033%; no homozygotes.

Submissions (4):

Myriad Genetics, Inc.
Classification: Benign for Lynch syndrome 5. Last evaluated: 2024-12-30. Review status: criteria provided, single submitter. Criteria: Myriad Autosomal Dominant, Autosomal Recessive and X-Linked Classification Criteria (2023). Collection method: clinical testing. Allele origin: unknown.
Comment: This variant is considered benign. This variant is a silent/synonymous amino acid change and it is not expected to impact splicing.

Labcorp Genetics (formerly Invitae), Labcorp
Classification: Likely benign for Hereditary nonpolyposis colorectal neoplasms. Last evaluated: 2024-12-17. Review status: criteria provided, single submitter. Criteria: Invitae Variant Classification Sherloc (09022015). Collection method: clinical testing. Allele origin: germline.

Ambry Genetics
Classification: Likely benign for Hereditary cancer-predisposing syndrome. Last evaluated: 2024-03-25. Review status: criteria provided, single submitter. Criteria: Ambry Variant Classification Scheme 2023. Collection method: clinical testing. Allele origin: germline.

GeneDx
Classification: Likely benign. Last evaluated: 2018-04-02. Review status: criteria provided, single submitter. Criteria: GeneDx Variant Classification (06012015). Collection method: clinical testing. Allele origin: germline. Affected: yes.
Comment: This variant is considered likely benign or benign based on one or more of the following criteria: it is a conservative change, it occurs at a poorly conserved position in the protein, it is predicted to be benign by multiple in silico algorithms, and/or has population frequency not consistent with disease.

NM_000179.3(MSH6):c.1893C>G (p.Ser631=)

Gene: MSH6 (mutS homolog 6; plus strand). Cytogenetic location: 2p16.3.
Variant type: single nucleotide variant.
Coding change: c.1893C>G on transcript NM_000179.3 (MANE Select); coding-DNA position 1893, C replaced by G.
Protein change: p.Ser631=; no amino-acid change (serine 631 retained).
Molecular consequence: synonymous variant.
Genome position (GRCh38, 1-based): chr2:47,799,876, C>G. VCF-style: chr2-47799876-C-G. GRCh37 (hg19) VCF-style: chr2-48027015-C-G.
Other names: c.1503C>G, p.Ser501= (NM_001281492.2); c.987C>G, p.Ser329= (NM_001281493.2, NM_001281494.2).
Identifiers: ClinVar variation 681535 (VCV000681535.13), dbSNP rs1380346583, ClinGen allele CA426121291.